The following is an entry in ClinVar:

ClinVar aggregate classification (germline): Likely benign. Review status: criteria provided, multiple submitters, no conflicts (2 of 4 stars). 2 submissions from 2 submitters: Likely benign (2). Last evaluated 2025-05-01.

Conditions:
PCDH15-related disorder. Also called: PCDH15-related disorders; PCDH15-related condition.

Allele frequency attached by ClinVar (database versions not stated): gnomAD exomes below 0.00001.
gnomAD v4.1: 39 of 1,613,814 alleles (0.0024%); highest among the groups gnomAD compares: Non-Finnish European, 0.0032%; no homozygotes.

Submissions (2):

PreventionGenetics, part of Exact Sciences
Classification: Likely benign for PCDH15-related condition. Last evaluated: 2025-05-01. Review status: criteria provided, single submitter. Criteria: ACMG Guidelines, 2015. Collection method: clinical testing. Allele origin: germline.
Comment: This variant is classified as likely benign based on ACMG/AMP sequence variant interpretation guidelines (Richards et al. 2015 PMID: 25741868, with internal and published modifications).

Labcorp Genetics (formerly Invitae), Labcorp
Classification: Likely benign. Last evaluated: 2024-05-24. Review status: criteria provided, single submitter. Criteria: Invitae Variant Classification Sherloc (09022015). Collection method: clinical testing. Allele origin: germline.

NM_033056.4(PCDH15):c.4827T>C (p.Asn1609=)

Gene: PCDH15 (protocadherin related 15; minus strand). Cytogenetic location: 10q21.1.
Variant type: single nucleotide variant.
Coding change: c.4827T>C on transcript NM_033056.4 (MANE Plus Clinical); coding-DNA position 4827, T replaced by C.
Protein change: p.Asn1609=; no amino-acid change (asparagine 1609 retained).
Molecular consequence: synonymous variant. On other transcripts: intron variant (8).
Genome position (GRCh38, 1-based): chr10:53,822,899, A>G on the plus strand (T>C on the coding strand, the complement: PCDH15 is on the minus strand). VCF-style: chr10-53822899-A-G. GRCh37 (hg19) VCF-style: chr10-55582659-A-G.
Other names: c.4388+2237T>C (NM_001142771.2); c.4373+2237T>C (NM_001142770.3, NM_001142772.2); c.4388+4494T>C (NM_001354411.2); c.4409+2237T>C (NM_001142769.3); c.4620T>C, p.Asn1540= (NM_001142765.2); c.4818T>C, p.Asn1606= (NM_001142766.2); c.4707T>C, p.Asn1569= (NM_001142767.2); c.4767T>C, p.Asn1589= (NM_001142768.2); and 6 more.
Identifiers: ClinVar variation 1457902 (VCV001457902.9), dbSNP rs750801092, ClinGen allele CA207220253.